The following is an entry in ClinVar:

ClinVar aggregate classification (germline): Uncertain significance (1 of 4 stars; one submission).

Conditions:
Congenital contractural arachnodactyly (CCA). Also called: Arthrogryposis, distal, type 9; BEALS SYNDROME; Beals-Hecht syndrome. Identifiers: Orphanet 115, MedGen C0220668, MONDO:0007363, OMIM 121050.

Submission:

Labcorp Genetics (formerly Invitae), Labcorp
Classification: Uncertain significance for Congenital contractural arachnodactyly. Last evaluated: 2025-04-28. Review status: criteria provided, single submitter. Criteria: Invitae Variant Classification Sherloc (09022015). Collection method: clinical testing. Allele origin: germline.
Comment: This sequence change affects a donor splice site in intron 3 of the FBN2 gene. It is expected to disrupt RNA splicing. Variants that disrupt the donor or acceptor splice site typically lead to a loss of protein function (PMID: 16199547), however the current clinical and genetic evidence is not sufficient to establish whether loss-of-function variants in FBN2 cause disease. This variant is not present in population databases (gnomAD no frequency). This variant has not been reported in the literature in individuals affected with FBN2-related conditions. Algorithms developed to predict the effect of sequence changes on RNA splicing suggest that this variant may disrupt the consensus splice site. In summary, the available evidence is currently insufficient to determine the role of this variant in disease. Therefore, it has been classified as a Variant of Uncertain Significance.

Literature cited by the submitters: PubMed 16199547.

NM_001999.4(FBN2):c.436+1G>A

Gene: FBN2 (fibrillin 2; minus strand). Cytogenetic location: 5q23.3.
Variant type: single nucleotide variant.
Coding change: c.436+1G>A on transcript NM_001999.4 (MANE Select); the canonical splice donor site of the intron after coding-DNA position 436, G replaced by A.
Molecular consequence: splice donor variant.
Genome position (GRCh38, 1-based): chr5:128,530,594, C>T on the plus strand (G>A on the coding strand, the complement: FBN2 is on the minus strand). VCF-style: chr5-128530594-C-T. GRCh37 (hg19) VCF-style: chr5-127866287-C-T.
Identifiers: ClinVar variation 4706258 (VCV004706258.1).